The following is an entry in ClinVar:

NM_001035.3(RYR2):c.4452C>A (p.Asn1484Lys)

Gene: RYR2 (ryanodine receptor 2; plus strand). Cytogenetic location: 1q43.
Variant type: single nucleotide variant.
Coding change: c.4452C>A on transcript NM_001035.3 (MANE Select); coding-DNA position 4452, C replaced by A.
Protein change: p.Asn1484Lys; replaces asparagine 1484 with lysine.
Molecular consequence: missense variant.
Genome position (GRCh38, 1-based): chr1:237,595,513, C>A. VCF-style: chr1-237595513-C-A. GRCh37 (hg19) VCF-style: chr1-237758813-C-A.
Other names: short protein forms N1484K.
Identifiers: ClinVar variation 870086 (VCV000870086.2), dbSNP rs1291160405, ClinGen allele CA345400105.

ClinVar aggregate classification (germline): Uncertain significance (1 of 4 stars; one submission).

Conditions:
Hypertrophic cardiomyopathy. Also called: HYPERTROPHIC MYOCARDIOPATHY. Identifiers: Orphanet 217569, MedGen C0007194, MeSH D002312, MONDO:0005045, HP:0001639.

Submission:

Agnes Ginges Centre for Molecular Cardiology, Centenary Institute
Classification: Uncertain significance for Hypertrophic cardiomyopathy. Last evaluated: 2018-10-16. Review status: criteria provided, single submitter. Criteria: ACMG Guidelines, 2015. Collection method: research. Allele origin: germline. Inheritance: Autosomal dominant inheritance. Affected: yes.
Comment: RYR2 Asn1484Lys has not been previously reported and is absent from population databases such as the Genome Aggregation Database. In silico tools SIFT and MutationTaster predict this variant to be deleterious, however PolyPhen2 predicts this variant to be 'benign'. Based on this information we classify this as a variant of 'uncertain significance'.